The following is an entry in ClinVar:

NM_015331.3(NCSTN):c.316G>A (p.Asp106Asn)

Gene: NCSTN (nicastrin; plus strand). Cytogenetic location: 1q23.2.
Variant type: single nucleotide variant.
Coding change: c.316G>A on transcript NM_015331.3 (MANE Select); coding-DNA position 316, G replaced by A.
Protein change: p.Asp106Asn; replaces aspartic acid 106 with asparagine.
Molecular consequence: missense variant.
Genome position (GRCh38, 1-based): chr1:160,349,550, G>A. VCF-style: chr1-160349550-G-A. GRCh37 (hg19) VCF-style: chr1-160319340-G-A.
Other names: c.256G>A, p.Asp86Asn (NM_001290184.2); c.316G>A, p.Asp106Asn (NM_001290186.2, NM_001349729.2); short protein forms D106N, D86N.
Identifiers: ClinVar variation 2065188 (VCV002065188.4), dbSNP rs1169581011, ClinGen allele CA343277087.
Genomic context (GRCh38, chr1:160,349,550, plus strand): 5'-AATGTCAGGCTGTCTGATACCTTCCTGTGTTCCTTCATGGAATTCCTTTCCTATTCCAGG[G>A]ATTTAATGGAGAAGCTGAAAGGGAGAACCAGCCGAATTGCTGGTCTTGCAGTGTCCTTGA-3'
Protein context (NP_056146.1, residues 96-116): VLLESKHFTR[Asp106Asn]LMEKLKGRTS

ClinVar aggregate classification (germline): Uncertain significance (1 of 4 stars; one submission).

Allele frequency attached by ClinVar (database versions not stated): gnomAD 0.00001; gnomAD exomes below 0.00001.
gnomAD v4.1: 4 of 1,614,022 alleles (0.00025%); highest among the groups gnomAD compares: Admixed American, 0.0033%; no homozygotes.

Submission:

Labcorp Genetics (formerly Invitae), Labcorp
Classification: Uncertain significance. Last evaluated: 2023-10-12. Review status: criteria provided, single submitter. Criteria: Invitae Variant Classification Sherloc (09022015). Collection method: clinical testing. Allele origin: germline.
Comment: This sequence change replaces aspartic acid, which is acidic and polar, with asparagine, which is neutral and polar, at codon 106 of the NCSTN protein (p.Asp106Asn). This variant is present in population databases (no rsID available, gnomAD 0.003%). This variant has not been reported in the literature in individuals affected with NCSTN-related conditions. ClinVar contains an entry for this variant (Variation ID: 2065188). Algorithms developed to predict the effect of missense changes on protein structure and function output the following: SIFT: "Not Available"; PolyPhen-2: "Benign"; Align-GVGD: "Not Available". The asparagine amino acid residue is found in multiple mammalian species, which suggests that this missense change does not adversely affect protein function. In summary, the available evidence is currently insufficient to determine the role of this variant in disease. Therefore, it has been classified as a Variant of Uncertain Significance.